The following is an entry in ClinVar:

ClinVar aggregate classification (germline): Uncertain significance (1 of 4 stars; one submission).

Conditions:
Hereditary cancer-predisposing syndrome. Also called: Neoplastic Syndromes, Hereditary; Tumor predisposition; Hereditary Cancer Syndrome; Hereditary neoplastic syndrome. Identifiers: Orphanet 140162, MedGen C0027672, MeSH D009386, MONDO:0015356.

Submission:

Ambry Genetics
Classification: Uncertain significance for Hereditary cancer-predisposing syndrome. Last evaluated: 2026-03-04. Review status: criteria provided, single submitter. Criteria: Ambry Variant Classification Scheme 2023. Collection method: clinical testing. Allele origin: germline.
Comment: The p.L1128P variant (also known as c.3383T>C), located in coding exon 28 of the POLE gene, results from a T to C substitution at nucleotide position 3383. The leucine at codon 1128 is replaced by proline, an amino acid with similar properties. This amino acid position is conserved. In addition, this alteration is predicted to be deleterious by in silico analysis. Based on the available evidence, the clinical significance of this variant remains unclear.

NM_006231.4(POLE):c.3383T>C (p.Leu1128Pro)

Gene: POLE (DNA polymerase epsilon, catalytic subunit; minus strand). Cytogenetic location: 12q24.33.
Variant type: single nucleotide variant.
Coding change: c.3383T>C on transcript NM_006231.4 (MANE Select); coding-DNA position 3383, T replaced by C.
Protein change: p.Leu1128Pro; replaces leucine 1128 with proline.
Molecular consequence: missense variant.
Genome position (GRCh38, 1-based): chr12:132,657,425, A>G on the plus strand (T>C on the coding strand, the complement: POLE is on the minus strand). VCF-style: chr12-132657425-A-G. GRCh37 (hg19) VCF-style: chr12-133234011-A-G.
Other names: short protein forms L1128P.
Identifiers: ClinVar variation 4825825 (VCV004825825.1).
Genomic context (GRCh38, chr12:132,657,425, plus strand): 5'-GGGATGGTGATGATCTTCTGGATGGCGCTTCCCAGCCGCTCAATGTAGTAGTCCCAATCC[A>G]GAATCTGCATGTGCAGGAAACGGGCACAGAGAACAGCAGGTGGCAGCAGCCAAGAGTGGG-3'
Protein context (NP_006222.2, residues 1118-1138): SLQDFDIRAI[Leu1128Pro]DWDYYIERLG